The following is an entry in ClinVar:

ClinVar aggregate classification (germline): Benign/Likely benign. Review status: criteria provided, multiple submitters, no conflicts (2 of 4 stars). 6 submissions from 6 submitters: Benign (3); Likely benign (2). 1 of the submissions does not count toward it. Last evaluated 2026-09-01.

Conditions:
Inborn genetic diseases. Identifiers: MedGen C0950123, MeSH D030342.
FOXP1-related disorder. Also called: FOXP1-related condition.

Allele frequency attached by ClinVar (database versions not stated): gnomAD 0.00004 and 0.00015; TOPMed 0.00008; ESP Exome Variant Server 0.00015; gnomAD exomes 0.00059; 1000 Genomes Project 0.00060; 1000 Genomes Project 30x 0.00062; ExAC 0.00073.
gnomAD v4.1: 524 of 1,614,138 alleles (0.032%); highest among the groups gnomAD compares: South Asian, 0.35%; 4 homozygotes.

Submissions (6):

CeGaT Center for Human Genetics Tuebingen
Classification: Likely benign. Last evaluated: 2026-09-01. Review status: criteria provided, single submitter. Criteria: CeGaT Center For Human Genetics Tuebingen Variant Classification Criteria Version 2. Collection method: clinical testing. Allele origin: germline. Affected: yes. Observed: 1 variant allele.
Comment: FOXP1: BP4, BP7, BS1

Labcorp Genetics (formerly Invitae), Labcorp
Classification: Benign. Last evaluated: 2025-07-15. Review status: criteria provided, single submitter. Criteria: Invitae Variant Classification Sherloc (09022015). Collection method: clinical testing. Allele origin: germline.

GeneDx
Classification: Benign. Last evaluated: 2020-09-23. Review status: criteria provided, single submitter. Criteria: GeneDx Variant Classification Process June 2021. Collection method: clinical testing. Allele origin: germline. Affected: yes.

Ambry Genetics
Classification: Likely benign for Inborn genetic diseases. Last evaluated: 2018-05-21. Review status: criteria provided, single submitter. Criteria: Ambry Variant Classification Scheme 2023. Collection method: clinical testing. Allele origin: germline.

Genetic Services Laboratory, University of Chicago
Classification: Benign. Last evaluated: 2017-09-25. Review status: criteria provided, single submitter. Criteria: ACMG Guidelines, 2015. Collection method: clinical testing. Allele origin: germline. Affected: no.

PreventionGenetics, part of Exact Sciences
Classification: Likely benign for FOXP1-related condition. Last evaluated: 2019-04-08. Review status: no assertion criteria provided. Collection method: clinical testing. Allele origin: germline. Not counted in ClinVar's aggregate classification.
Comment: This variant is classified as likely benign based on ACMG/AMP sequence variant interpretation guidelines (Richards et al. 2015 PMID: 25741868, with internal and published modifications).

NM_001349338.3(FOXP1):c.1233C>T (p.Thr411=)

Gene: FOXP1 (forkhead box P1; minus strand). Cytogenetic location: 3p13.
Variant type: single nucleotide variant.
Coding change: c.1233C>T on transcript NM_001349338.3 (MANE Select); coding-DNA position 1233, C replaced by T.
Protein change: p.Thr411=; no amino-acid change (threonine 411 retained).
Molecular consequence: synonymous variant. On other transcripts: non-coding transcript variant (2).
Genome position (GRCh38, 1-based): chr3:70,977,943, G>A on the plus strand (C>T on the coding strand, the complement: FOXP1 is on the minus strand). VCF-style: chr3-70977943-G-A. GRCh37 (hg19) VCF-style: chr3-71027094-G-A.
Other names: c.1005C>T, p.Thr335= (NM_001244812.3); c.933C>T, p.Thr311= (NM_001244813.3, NM_001244815.2, NM_001349342.3 and 1 more transcripts); c.1233C>T, p.Thr411= (NM_001244814.3, NM_001244816.2, NM_001349340.3 and 3 more transcripts); c.930C>T, p.Thr310= (NM_001349337.2, NM_001349343.3, NM_001349344.3); c.1230C>T, p.Thr410= (NM_001349341.3).
Identifiers: ClinVar variation 346645 (VCV000346645.19), dbSNP rs147995584, ClinGen allele CA2491052.